The following is an entry in ClinVar:

ClinVar aggregate classification (germline): Uncertain significance (1 of 4 stars; one submission).

Conditions:
Atrial fibrillation, familial, 18 (ATFB18). Identifiers: MedGen C4310636, MONDO:0015001, OMIM 617280.

Submission:

Labcorp Genetics (formerly Invitae), Labcorp
Classification: Uncertain significance for Atrial fibrillation, familial, 18. Last evaluated: 2022-04-18. Review status: criteria provided, single submitter. Criteria: Invitae Variant Classification Sherloc (09022015). Collection method: clinical testing. Allele origin: germline.
Comment: This variant has not been reported in the literature in individuals affected with MYL4-related conditions. This variant is not present in population databases (gnomAD no frequency). This sequence change replaces cysteine, which is neutral and slightly polar, with tyrosine, which is neutral and polar, at codon 184 of the MYL4 protein (p.Cys184Tyr). Algorithms developed to predict the effect of missense changes on protein structure and function are either unavailable or do not agree on the potential impact of this missense change (SIFT: "Tolerated"; PolyPhen-2: "Possibly Damaging"; Align-GVGD: "Class C0"). In summary, the available evidence is currently insufficient to determine the role of this variant in disease. Therefore, it has been classified as a Variant of Uncertain Significance.

NM_002476.2(MYL4):c.551G>A (p.Cys184Tyr)

Gene: MYL4 (myosin light chain 4; plus strand). Cytogenetic location: 17q21.32.
Variant type: single nucleotide variant.
Coding change: c.551G>A on transcript NM_002476.2 (MANE Select); coding-DNA position 551, G replaced by A.
Protein change: p.Cys184Tyr; replaces cysteine 184 with tyrosine.
Molecular consequence: missense variant.
Genome position (GRCh38, 1-based): chr17:47,222,443, G>A. VCF-style: chr17-47222443-G-A. GRCh37 (hg19) VCF-style: chr17-45299809-G-A.
Other names: c.551G>A, p.Cys184Tyr (NM_001002841.2); short protein forms C184Y.
Identifiers: ClinVar variation 1523169 (VCV001523169.6), dbSNP rs2149049200, ClinGen allele CA400023045.